The following is an entry in ClinVar:

NM_000088.4(COL1A1):c.517G>T (p.Gly173Ter)

Gene: COL1A1 (collagen type I alpha 1 chain; minus strand). Cytogenetic location: 17q21.33.
Variant type: single nucleotide variant.
Coding change: c.517G>T on transcript NM_000088.4 (MANE Select); coding-DNA position 517, G replaced by T.
Protein change: p.Gly173Ter; replaces glycine 173 with a stop codon.
Molecular consequence: nonsense.
Genome position (GRCh38, 1-based): chr17:50,198,459, C>A on the plus strand (G>T on the coding strand, the complement: COL1A1 is on the minus strand). VCF-style: chr17-50198459-C-A. GRCh37 (hg19) VCF-style: chr17-48275820-C-A.
Other names: short protein forms G173*.
Identifiers: ClinVar variation 35924 (VCV000035924.11), dbSNP rs193922157, ClinGen allele CA260317.

ClinVar aggregate classification (germline): Pathogenic/Likely pathogenic. Review status: criteria provided, multiple submitters, no conflicts (2 of 4 stars). 3 submissions from 3 submitters: Pathogenic (2); Likely pathogenic (1). Last evaluated 2025-11-06.

Conditions:
Osteogenesis imperfecta (OI). Identifiers: Orphanet 666, MedGen C0029434, MeSH D010013, MONDO:0019019.
Osteogenesis imperfecta type I (OI1). Also called: Lobstein disease; OI, TYPE I; OSTEOGENESIS IMPERFECTA TARDA; OSTEOGENESIS IMPERFECTA WITH BLUE SCLERAE; Osteogenesis imperfecta type 1; Classic Non-deforming Osteogenesis Imperfecta with Blue Sclerae. Identifiers: Orphanet 216796, Orphanet 666, MedGen C0023931, MONDO:0008146, OMIM 166200. Disease mechanism: loss of function.

Submissions (3):

Labcorp Genetics (formerly Invitae), Labcorp
Classification: Pathogenic for Osteogenesis imperfecta type I. Last evaluated: 2025-11-06. Review status: criteria provided, single submitter. Criteria: Invitae Variant Classification Sherloc (09022015). Collection method: clinical testing. Allele origin: germline.
Comment: This sequence change creates a premature translational stop signal (p.Gly173*) in the COL1A1 gene. It is expected to result in an absent or disrupted protein product. Loss-of-function variants in COL1A1 are known to be pathogenic (PMID: 7942841, 9295084, 9443882). This variant is not present in population databases (gnomAD no frequency). This premature translational stop signal has been observed in individual(s) with osteogenesis imperfecta (PMID: 31414283). ClinVar contains an entry for this variant (Variation ID: 35924). For these reasons, this variant has been classified as Pathogenic.

Women's Health and Genetics/Laboratory Corporation of America, LabCorp
Classification: Likely pathogenic for Osteogenesis Imperfecta. Last evaluated: 2011-08-18. Review status: criteria provided, single submitter. Criteria: LabCorp Variant Classification Summary - May 2015. Collection method: curation, clinical testing. Allele origin: germline. Inheritance: autosomal unknown. Affected: yes.
ClinVar note: Converted during submission from likely pathogenic to Likely pathogenic.

Clinical Genetics Service, Universitary Hospital 12 de Octubre
Classification: Pathogenic for Osteogenesis imperfecta type I. Review status: criteria provided, single submitter. Criteria: ACMG Guidelines, 2015. Collection method: clinical testing. Allele origin: germline. Affected: yes.

Literature cited by the submitters: PubMed 7942841 (cited by Labcorp Genetics (formerly Invitae), Labcorp); PubMed 9295084 (cited by Labcorp Genetics (formerly Invitae), Labcorp); PubMed 9443882 (cited by Labcorp Genetics (formerly Invitae), Labcorp); PubMed 31414283 (cited by Labcorp Genetics (formerly Invitae), Labcorp).